The following is an entry in ClinVar:

NM_015557.3(CHD5):c.4257C>G (p.Ile1419Met)

Gene: CHD5 (chromodomain helicase DNA binding protein 5; minus strand). Cytogenetic location: 1p36.31.
Variant type: single nucleotide variant.
Coding change: c.4257C>G on transcript NM_015557.3 (MANE Select); coding-DNA position 4257, C replaced by G.
Protein change: p.Ile1419Met; replaces isoleucine 1419 with methionine.
Molecular consequence: missense variant.
Genome position (GRCh38, 1-based): chr1:6,125,527, G>C on the plus strand (C>G on the coding strand, the complement: CHD5 is on the minus strand). VCF-style: chr1-6125527-G-C. GRCh37 (hg19) VCF-style: chr1-6185587-G-C.
Other names: short protein forms I1419M.
Identifiers: ClinVar variation 995787 (VCV000995787.3), dbSNP rs371488822, ClinGen allele CA17153029.

ClinVar aggregate classification (germline): Likely pathogenic (1 of 4 stars; one submission).

Conditions:
Global developmental delay (DD). Also called: Cognitive delay. Identifiers: MedGen C0557874, HP:0001263. Disease mechanism: loss of function.
Seizure. Also called: Seizures. Identifiers: MedGen C0036572, HP:0001250.
Intellectual disability. Also called: Intellectual functioning disability; intellectual disabilities; Intellectual developmental disorder. Identifiers: MedGen C3714756, MeSH D008607, MONDO:0001071, HP:0001249.

gnomAD v4.1: 2 of 1,581,894 alleles (0.00013%); highest among the groups gnomAD compares: Non-Finnish European, 0.000086%; no homozygotes.

Submission:

Institute for Human Genetics, University Hospital Essen
Classification: Likely pathogenic for Global developmental delay; Intellectual disability; Seizure. Last evaluated: 2021-01-18. Review status: criteria provided, single submitter. Criteria: ACMG Guidelines, 2015. Collection method: research. Allele origin: de novo. Affected: yes.

Literature cited by the submitters: PubMed 33944996 (cited by Institute for Human Genetics, University Hospital Essen).